The following is an entry in ClinVar:

ClinVar aggregate classification (germline): Uncertain significance (1 of 4 stars; one submission).

Allele frequency attached by ClinVar (database versions not stated): ExAC 0.00001; gnomAD exomes 0.00003; gnomAD 0.00004.
gnomAD v4.1: 22 of 1,613,392 alleles (0.0014%); highest among the groups gnomAD compares: Middle Eastern, 0.017%; no homozygotes.

Submission:

Labcorp Genetics (formerly Invitae), Labcorp
Classification: Uncertain significance. Last evaluated: 2022-08-31. Review status: criteria provided, single submitter. Criteria: Invitae Variant Classification Sherloc (09022015). Collection method: clinical testing. Allele origin: germline.
Comment: This sequence change replaces glutamine, which is neutral and polar, with glutamic acid, which is acidic and polar, at codon 396 of the ORC4 protein (p.Gln396Glu). This variant is present in population databases (rs778728819, gnomAD 0.01%). This variant has not been reported in the literature in individuals affected with ORC4-related conditions. ClinVar contains an entry for this variant (Variation ID: 1434288). Algorithms developed to predict the effect of missense changes on protein structure and function are either unavailable or do not agree on the potential impact of this missense change (SIFT: "Tolerated"; PolyPhen-2: "Probably Damaging"; Align-GVGD: "Class C0"). In summary, the available evidence is currently insufficient to determine the role of this variant in disease. Therefore, it has been classified as a Variant of Uncertain Significance.

NM_181741.4(ORC4):c.1186C>G (p.Gln396Glu)

Gene: ORC4 (origin recognition complex subunit 4; minus strand). Cytogenetic location: 2q23.1.
Variant type: single nucleotide variant.
Coding change: c.1186C>G on transcript NM_181741.4 (MANE Select); coding-DNA position 1186, C replaced by G.
Protein change: p.Gln396Glu; replaces glutamine 396 with glutamic acid.
Molecular consequence: missense variant.
Genome position (GRCh38, 1-based): chr2:147,935,635, G>C on the plus strand (C>G on the coding strand, the complement: ORC4 is on the minus strand). VCF-style: chr2-147935635-G-C. GRCh37 (hg19) VCF-style: chr2-148693204-G-C.
Other names: c.1186C>G, p.Gln396Glu (NM_001190879.3, NM_001374270.1, NM_002552.5 and 1 more transcripts); c.934C>G, p.Gln312Glu (NM_001190881.3, NM_001374272.1); c.964C>G, p.Gln322Glu (NM_001190882.3); short protein forms Q312E, Q396E, Q322E.
Identifiers: ClinVar variation 1434288 (VCV001434288.5), dbSNP rs778728819, ClinGen allele CA1899351.